The following is an entry in ClinVar:

NC_000014.8:g.(?_88448539)_(88459971_?)del

Gene: GALC (galactosylceramidase; minus strand). Cytogenetic location: 14q31.3.
Variant type: Deletion.
Identifiers: ClinVar variation 1457157 (VCV001457157.10).

ClinVar aggregate classification (germline): Pathogenic (1 of 4 stars; one submission).

Conditions:
Galactosylceramide beta-galactosidase deficiency. Also called: GALACTOCEREBROSIDASE DEFICIENCY; GALC DEFICIENCY; GLOBOID CELL LEUKOENCEPHALOPATHY; Krabbe Disease; Leukodystrophy, Globoid Cell. Identifiers: Orphanet 487, MedGen C0023521, MONDO:0009499, OMIM 245200.

Submission:

Labcorp Genetics (formerly Invitae), Labcorp
Classification: Pathogenic for Galactosylceramide beta-galactosidase deficiency. Last evaluated: 2021-02-12. Review status: criteria provided, single submitter. Criteria: Invitae Variant Classification Sherloc (09022015). Collection method: clinical testing. Allele origin: germline.
Comment: For these reasons, this variant has been classified as Pathogenic. A similar deletion of exons 1-6 ‚Äãhas been observed in individual(s) with Krabbe disease (PMID: 22704718). In at least one individual the data is consistent with the variant being in trans (on the opposite chromosome) from a pathogenic variant This variant is a gross deletion of the genomic region encompassing exon(s) 1-6 of the GALC gene, which includes the initiator codon. The 5' end of this event is unknown as it extends beyond the assayed region for this gene and therefore may encompass additional genes. The 3' boundary is likely confined to intron 6 of the GALC gene. It is expected to result in an absent or disrupted protein product. Loss-of-function variants in GALC are known to be pathogenic (PMID: 7437911, 9272171, 16607461).

Literature cited by the submitters: PubMed 22704718; PubMed 7437911; PubMed 9272171; PubMed 16607461.